The following is an entry in ClinVar:

NM_000090.4(COL3A1):c.2114_2121+4delinsCT

Gene: COL3A1 (collagen type III alpha 1 chain; plus strand). Cytogenetic location: 2q32.2.
Variant type: Indel.
Coding change: c.2114_2121+4delinsCT on transcript NM_000090.4 (MANE Select); coding-DNA position 2114 through 4 bases into the intron after coding-DNA position 2121, GAGGAAAGGTAA replaced by CT.
Molecular consequence: splice donor variant.
Genome position (GRCh38, 1-based): chr2:188,999,376-188,999,387, GAGGAAAGGTAA replaced by CT. VCF-style: chr2-188999376-GAGGAAAGGTAA-CT. GRCh37 (hg19) VCF-style: chr2-189864102-GAGGAAAGGTAA-CT.
Other names: c.2114_2121+4del12insCT (NM_000090.3).
Identifiers: ClinVar variation 3386461 (VCV003386461.3).

ClinVar aggregate classification (germline): Pathogenic/Likely pathogenic. Review status: criteria provided, multiple submitters, no conflicts (2 of 4 stars). 3 submissions from 3 submitters: Pathogenic (1); Likely pathogenic (2). Last evaluated 2025-08-20.

Conditions:
Familial thoracic aortic aneurysm and aortic dissection (TAAD). Also called: Thoracic aortic aneurysms and dissections. Identifiers: Orphanet 91387, MedGen C4707243, MONDO:0019625.
Ehlers-Danlos syndrome, type 4 (EDSVASC). Also called: Ehlers-Danlos syndrome vascular type; Ehlers Danlos syndrome, ecchymotic type; Ehlers Danlos syndrome, arterial type; Ehlers Danlos syndrome, Sack-Barabas type; Ehlers-Danlos Syndrome Type IV. Identifiers: Orphanet 286, MedGen C0268338, MONDO:0017314, OMIM 130050.

Submissions (3):

Ambry Genetics
Classification: Likely pathogenic for Familial thoracic aortic aneurysm and aortic dissection. Last evaluated: 2025-08-20. Review status: criteria provided, single submitter. Criteria: Ambry Variant Classification Scheme 2023. Collection method: clinical testing. Allele origin: germline.
Comment: The c.2114_2121+4del12insCT variant results from a deletion of 12 nucleotides and insertion of 2 nucleotides at positions c.2114 to c.2121+4 and involves the canonical splice donor site after coding exon 30 of the COL3A1 gene. The canonical splice donor site is highly conserved in available vertebrate species. In silico splice site analysis predicts that this alteration will weaken the native splice donor site and will result in the creation or strengthening of a novel splice donor site; however, the exact impact of this alteration on COL3A1 splicing and function is currently unknown. This variant is considered to be rare based on population cohorts in the Genome Aggregation Database (gnomAD). Alterations that disrupt the canonical splice site are expected to cause aberrant splicing, resulting in an abnormal protein or a transcript that is subject to nonsense-mediated mRNA decay. As such, this alteration is classified as likely pathogenic.

Color Diagnostics, LLC DBA Color Health
Classification: Likely pathogenic for Familial thoracic aortic aneurysm and aortic dissection. Last evaluated: 2024-11-05. Review status: criteria provided, single submitter. Criteria: ACMG Guidelines, 2015. Collection method: clinical testing. Allele origin: germline.
Comment: This variant results in the replacement of twelve nucleotides across the exon 30-intron 30 border of the COL3A1 gene with two novel nucleotides and disrupts the intron 30 canonical splice donor site. Splice site prediction tools indicate that this variant may cause aberrant splicing and result in an absent or non-functional protein product. Although functional RNA studies have not been reported, this variant is predicted to cause a loss of COL3A1 gene function, which is a known mechanism of disease. This variant has not been identified in the general population by the Genome Aggregation Database (gnomAD) and has not been reported in the literature. However, different variants that disrupt the same intron 30 splice donor site, c.2121+1G>C and c.2119_2121+11del, have been observed in individuals affected with vascular Ehlers-Danlos syndrome (PMID: 38623759; ClinVar SCV001576586.4) and are interpreted as disease-causing (ClinVar variation ID: 101432, 1067585). Based on the available evidence, this variant is classified as Likely Pathogenic.

All of Us Research Program, National Institutes of Health
Classification: Pathogenic for Ehlers-Danlos syndrome, type 4. Last evaluated: 2024-09-24. Review status: criteria provided, single submitter. Criteria: ACMG Guidelines, 2015. Collection method: clinical testing. Allele origin: germline. Inheritance: Autosomal dominant inheritance. Observed: 1 variant allele, 1 heterozygote.
Comment: This variant disrupts a canonical splice site and is predicted to result in abnormal splicing. Aberrant splicing and/or loss of function is an established mechanism of disease. This prediction has not been confirmed by functional studies. To date, this variant has not been reported in association with human disease in the medical literature. This variant is absent from or rare in large population databases, including the Genome Aggregation Database. This variant is predicted to be deleterious by in silico analysis.

This study involves interpretation of variants in research participants for the purpose of population health screening. Participant phenotype was not available at the time of variant classification. Additional details can be found in publication PMID: 35346344, PMCID: PMC8962531

Literature cited by the submitters: PubMed 25356970 (cited by Ambry Genetics); PubMed 38623759 (cited by Color Diagnostics, LLC DBA Color Health).